The following is an entry in ClinVar:

ClinVar aggregate classification (germline): Likely pathogenic. Review status: criteria provided, multiple submitters, no conflicts (2 of 4 stars). 2 submissions from 2 submitters: Likely pathogenic (2). Last evaluated 2024-09-30.

Conditions:
Hereditary nonpolyposis colorectal neoplasms. Identifiers: MedGen C0009405, MeSH D003123.
Lynch syndrome 5 (LYNCH5). Also called: Colorectal cancer, hereditary nonpolyposis, type 5; Hereditary non-polyposis colorectal cancer, type 5. Identifiers: Orphanet 144, MedGen C1833477, MONDO:0013710, OMIM 614350. Disease mechanism: loss of function.

Allele frequency attached by ClinVar (database versions not stated): gnomAD exomes below 0.00001.
gnomAD v4.1: 1 of 1,614,126 alleles (0.000062%); highest among the groups gnomAD compares: Middle Eastern, 0.016%; no homozygotes.

Submissions (2):

Labcorp Genetics (formerly Invitae), Labcorp
Classification: Likely pathogenic for Hereditary nonpolyposis colorectal neoplasms. Last evaluated: 2024-09-30. Review status: criteria provided, single submitter. Criteria: Invitae Variant Classification Sherloc (09022015). Collection method: clinical testing. Allele origin: germline.
Comment: This sequence change replaces tryptophan, which is neutral and slightly polar, with arginine, which is basic and polar, at codon 413 of the MSH6 protein (p.Trp413Arg). This variant is not present in population databases (gnomAD no frequency). This missense change has been observed in individual(s) with clinical features of Lynch syndrome (internal data). ClinVar contains an entry for this variant (Variation ID: 1494223). Invitae Evidence Modeling of protein sequence and biophysical properties (such as structural, functional, and spatial information, amino acid conservation, physicochemical variation, residue mobility, and thermodynamic stability) indicates that this missense variant is expected to disrupt MSH6 protein function with a positive predictive value of 95%. Experimental studies have shown that this missense change affects MSH6 function (PMID: 31965077). This variant disrupts the p.Trp413 amino acid residue in MSH6. Other variant(s) that disrupt this residue have been observed in individuals with MSH6-related conditions (external communication, internal data), which suggests that this may be a clinically significant amino acid residue. In summary, the currently available evidence indicates that the variant is pathogenic, but additional data are needed to prove that conclusively. Therefore, this variant has been classified as Likely Pathogenic.

Myriad Genetics, Inc.
Classification: Likely pathogenic for Lynch syndrome 5. Last evaluated: 2023-08-11. Review status: criteria provided, single submitter. Criteria: Myriad Autosomal Dominant, Autosomal Recessive and X-Linked Classification Criteria (2023). Collection method: clinical testing. Allele origin: unknown.
Comment: This variant is considered likely pathogenic. Functional studies indicate this variant impacts protein function [PMID: 31965077]. This variant is expected to disrupt protein structure [Myriad internal data].

Literature cited by the submitters: PubMed 31965077 (cited by Labcorp Genetics (formerly Invitae), Labcorp and Myriad Genetics, Inc.).

NM_000179.3(MSH6):c.1237T>C (p.Trp413Arg)

Gene: MSH6 (mutS homolog 6; plus strand). Cytogenetic location: 2p16.3.
Variant type: single nucleotide variant.
Coding change: c.1237T>C on transcript NM_000179.3 (MANE Select); coding-DNA position 1237, T replaced by C.
Protein change: p.Trp413Arg; replaces tryptophan 413 with arginine.
Molecular consequence: missense variant.
Genome position (GRCh38, 1-based): chr2:47,799,220, T>C. VCF-style: chr2-47799220-T-C. GRCh37 (hg19) VCF-style: chr2-48026359-T-C.
Other names: c.847T>C, p.Trp283Arg (NM_001281492.2); c.331T>C, p.Trp111Arg (NM_001281493.2, NM_001281494.2); short protein forms W413R, W111R, W283R.
Identifiers: ClinVar variation 1494223 (VCV001494223.7), dbSNP rs2104330278, ClinGen allele CA346743708.